The following is an entry in ClinVar:

NM_020975.6(RET):c.1901G>T (p.Cys634Phe)

Gene: RET (ret proto-oncogene; plus strand). Cytogenetic location: 10q11.21.
Variant type: single nucleotide variant.
Coding change: c.1901G>T on transcript NM_020975.6 (MANE Select); coding-DNA position 1901, G replaced by T.
Protein change: p.Cys634Phe; replaces cysteine 634 with phenylalanine.
Molecular consequence: missense variant.
Genome position (GRCh38, 1-based): chr10:43,114,501, G>T. VCF-style: chr10-43114501-G-T. GRCh37 (hg19) VCF-style: chr10-43609949-G-T.
Other names: c.1901G>T, p.Cys634Phe (NM_000323.2, NM_001406743.1, NM_001406744.1 and 4 more transcripts); c.1139G>T, p.Cys380Phe (NM_001355216.2); c.1772G>T, p.Cys591Phe (NM_001406761.1, NM_001406762.1, NM_001406764.1); c.1613G>T, p.Cys538Phe (NM_001406766.1, NM_001406767.1, NM_001406770.1); c.1505G>T, p.Cys502Phe (NM_001406769.1, NM_001406772.1); c.1463G>T, p.Cys488Phe (NM_001406771.1, NM_001406773.1); c.1376G>T, p.Cys459Phe (NM_001406774.1); c.1175G>T, p.Cys392Phe (NM_001406775.1, NM_001406776.1, NM_001406777.1 and 1 more transcripts); and 7 more; short protein forms C634F, C380F, C295F, C459F, C335F, C392F, C488F, C199F.
Identifiers: ClinVar variation 13911 (VCV000013911.21), dbSNP rs75996173, ClinGen allele CA008370.
Genomic context (GRCh38, chr10:43,114,501, plus strand): 5'-CTCTGGCGGTGCCAAGCCTCACACCACCCCCACCCACAGATCCACTGTGCGACGAGCTGT[G>T]CCGCACGGTGATCGCAGCCGCTGTCCTCTTCTCCTTCATCGTCTCGGTGCTGCTGTCTGC-3'
Protein context (NP_066124.1, residues 624-644): DIQDPLCDEL[Cys634Phe]RTVIAAAVLF

ClinVar aggregate classification (germline): Pathogenic. Review status: criteria provided, multiple submitters, no conflicts (2 of 4 stars). 10 submissions from 8 submitters: Pathogenic (7). 3 of the submissions do not count toward it. Last evaluated 2025-12-10.

Conditions:
RET-related disorder. Also called: RET-related condition; RET-related disease; RET-related disorders.
Hereditary cancer-predisposing syndrome. Also called: Neoplastic Syndromes, Hereditary; Tumor predisposition; Hereditary neoplastic syndrome; Hereditary Cancer Syndrome. Identifiers: Orphanet 140162, MedGen C0027672, MeSH D009386, MONDO:0015356.
Multiple endocrine neoplasia, type 2 (MEN2). Identifiers: Orphanet 653, MedGen C4048306, MONDO:0019003. Disease mechanism: gain of function.
Multiple endocrine neoplasia type 2A. Also called: MULTIPLE ENDOCRINE NEOPLASIA, TYPE IIA; PTC SYNDROME; SIPPLE SYNDROME; MEN 2A; MEN-2A syndrome; Pheochromocytoma and amyloid producing medullary thyroid carcinoma. Identifiers: Orphanet 247698, Orphanet 653, MedGen C0025268, MeSH D018813, MONDO:0008234, OMIM 171400.
Familial medullary thyroid carcinoma (MTC). Also called: Thyroid cancer, familial medullary; MTC, familial; Familial Medullary Thyroid Carcinoma (FMTC). Identifiers: Orphanet 653, Orphanet 99361, MedGen C1833921, MONDO:0007958, OMIM 155240.
Pheochromocytoma. Also called: MAX-Related Hereditary Paraganglioma-Pheochromocytoma Syndrome. Identifiers: Orphanet 29072, MedGen C0031511, MONDO:0008233, OMIM 171300, HP:0002666.

Allele frequency attached by ClinVar (database versions not stated): ExAC 0.00001.
gnomAD v4.1: 1 of 1,607,760 alleles (0.000062%); highest among the groups gnomAD compares: African/African-American, 0.0013%; no homozygotes.

Submissions (10):

Labcorp Genetics (formerly Invitae), Labcorp
Classification: Pathogenic for Multiple endocrine neoplasia, type 2. Last evaluated: 2025-12-10. Review status: criteria provided, single submitter. Criteria: Invitae Variant Classification Sherloc (09022015). Collection method: clinical testing. Allele origin: germline.
Comment: This sequence change replaces cysteine, which is neutral and slightly polar, with phenylalanine, which is neutral and non-polar, at codon 634 of the RET protein (p.Cys634Phe). This variant is present in population databases (rs75996173, gnomAD 0.007%). This missense change has been observed in individuals with multiple endocrine neoplasia type 2A (MEN2A), medullary thyroid cancer (MTC) and/or pheochromocytoma (PMID: 8099202, 12000816, 16865647, 17895320, 18062802, 20739875, 24684035, 24716929, 25440022, 25628771). It has also been observed to segregate with disease in related individuals. ClinVar contains an entry for this variant (Variation ID: 13911). An algorithm developed to predict the effect of missense changes on protein structure and function (PolyPhen-2) suggests that this variant is likely to be tolerated. This variant disrupts the p.Cys634 amino acid residue in RET. Other variant(s) that disrupt this residue have been determined to be pathogenic (PMID: 8099202, 12000816, 21765987, 25440022). This suggests that this residue is clinically significant, and that variants that disrupt this residue are likely to be disease-causing. For these reasons, this variant has been classified as Pathogenic.

Blueprint Genetics
Classification: Pathogenic for RET-related disorders. Last evaluated: 2024-06-27. Review status: criteria provided, single submitter. Criteria: ACMG Guidelines, 2015. Collection method: clinical testing. Allele origin: germline. Affected: yes. Observed: 5 variant alleles.

Institute of Human Genetics, University of Leipzig Medical Center
Classification: Pathogenic for Multiple endocrine neoplasia type 2A. Last evaluated: 2024-02-14. Review status: criteria provided, single submitter. Criteria: ACMG Guidelines, 2015. Collection method: clinical testing. Allele origin: unknown. Inheritance: Autosomal dominant inheritance. Affected: yes.
Comment: Criteria applied: PS4,PM5_STR,PM1,PM2_SUP,PP3

Ambry Genetics
Classification: Pathogenic for Hereditary cancer-predisposing syndrome. Last evaluated: 2023-12-06. Review status: criteria provided, single submitter. Criteria: Ambry Variant Classification Scheme 2023. Collection method: clinical testing. Allele origin: germline.
Comment: The p.C634F pathogenic mutation (also known as c.1901G>T), located in coding exon 11 of the RET gene, results from a G to T substitution at nucleotide position 1901. The cysteine at codon 634 is replaced by phenylalanine, an amino acid with highly dissimilar properties. This mutation has been identified in multiple individuals meeting clinical diagnostic criteria for multiple endocrine neoplasia type 2A (MEN2A) and has been demonstrated to segregate with disease within several MEN2A families (Saito T et al. Am J Med Sci. 2010 Oct;340(4):329-31; Jesic M et al. Srp Arh Celok Lek. 2014 Jan-Feb;142(1-2):72-4; Masbi H et al. Asian Pac J Cancer Prev. 2014;15(5):2027-33; Pandit R et al. Eur. J. Endocrinol. 2016 Oct;175:311-23). This mutation occurs at a known hotspot and studies evaluating genotype-phenotype correlation suggest higher penetrance for pheochromocytoma in MEN2 patients with mutations at amino acid position 634 (Neumann HP et al. N. Engl. J. Med. 2002; 346:1459-66, Quayle FJ et al. Surgery 2007;142:800-5; Yip L et al. Arch Surg 2003; 138:409-16). Per the American Thyroid Association Guideline Taskforce of 2009 (ATA), this mutation has screening and prophylactic recommended interventions beginning in early childhood. This amino acid position is well conserved in available vertebrate species. In addition, this alteration is predicted to be deleterious by in silico analysis. Based on the supporting evidence, this alteration is interpreted as a disease-causing mutation.

KCCC/NGS Laboratory, Kuwait Cancer Control Center
Classification: Pathogenic for Multiple endocrine neoplasia type 2A. Last evaluated: 2023-05-31. Review status: criteria provided, single submitter. Criteria: ACMG Guidelines, 2015. Collection method: clinical testing. Allele origin: germline. Inheritance: Autosomal dominant inheritance. Affected: yes. Observed: 1 heterozygote.
Comment: phenylalanine, which is neutral and non-polar, at codon 634 of the RET protein (p.Cys634Phe). This variant is present in population databases (rs75996173, gnomAD 0.007%). This misscnse change has been observed in individuals with multiple endocrine neoplasia type 2A (MEN2A), medullary thyroid cancer (MTC) and7or phcochromocytoma (PMID: 8099202, 12000816, 16865647, 17895320, 18062802, 20739875, 24684035, 24716929, 25440022, 25628771). It has also been observed to segregate with disease in related individuals. ClinVar contains an entry for this variant (Variation ID: 13911). Algorithms developed to predict the effect of misscnse changes on protein structure and function are either unavailable or do not agree on the potential impact of this misscnse change (SIFT: "Deleterious"; PolyPhen-2: "Benign"; Align-GVGD: "Class CO"). This variant disrupts the p.Cys634 amino acid residue in RET. Other variant(s) that disrupt this residue have been determined to be pathogenic (PMID: 8099202, 12000816, 21765987, 25440022). For these reasons, this variant has been classified as Pathogenic. Pathogenic/likely pathogenic mutations in the RET gene are associated with multiple endocrine neoplasia type 2.

Mayo Clinic Laboratories, Mayo Clinic
Classification: Pathogenic. Last evaluated: 2022-03-10. Review status: criteria provided, single submitter. Criteria: ACMG Guidelines, 2015. Collection method: clinical testing. Allele origin: germline. Observed: 1 variant allele.
Comment: PP3, PP4, PP5, PM2_moderate, PM5

Institute for Clinical Genetics, University Hospital TU Dresden, University Hospital TU Dresden
Classification: Pathogenic. Last evaluated: 2021-11-03. Review status: criteria provided, single submitter. Criteria: ACMG Guidelines, 2015. Collection method: clinical testing. Allele origin: germline.

OMIM
Classification: Pathogenic for MULTIPLE ENDOCRINE NEOPLASIA, TYPE IIA. Last evaluated: 2002-05-09. Review status: no assertion criteria provided. Collection method: literature only. Allele origin: germline. Not counted in ClinVar's aggregate classification.

OMIM
Classification: Pathogenic for THYROID CARCINOMA, FAMILIAL MEDULLARY. Last evaluated: 2002-05-09. Review status: no assertion criteria provided. Collection method: literature only. Allele origin: germline. Not counted in ClinVar's aggregate classification.

OMIM
Classification: Pathogenic for PHEOCHROMOCYTOMA. Last evaluated: 2002-05-09. Review status: no assertion criteria provided. Collection method: literature only. Allele origin: germline. Not counted in ClinVar's aggregate classification.

Literature cited by the submitters: PubMed 8099202 (cited by 3 submitters); PubMed 12000816 (cited by 3 submitters); PubMed 16865647 (cited by Labcorp Genetics (formerly Invitae), Labcorp); PubMed 17895320 (cited by Labcorp Genetics (formerly Invitae), Labcorp); PubMed 18062802 (cited by Labcorp Genetics (formerly Invitae), Labcorp); PubMed 20739875 (cited by Labcorp Genetics (formerly Invitae), Labcorp and Ambry Genetics); PubMed 24684035 (cited by Labcorp Genetics (formerly Invitae), Labcorp and Ambry Genetics); PubMed 24716929 (cited by Labcorp Genetics (formerly Invitae), Labcorp and Ambry Genetics); PubMed 25440022 (cited by Labcorp Genetics (formerly Invitae), Labcorp); PubMed 25628771 (cited by Labcorp Genetics (formerly Invitae), Labcorp); PubMed 21765987 (cited by Labcorp Genetics (formerly Invitae), Labcorp); PubMed 27539324 (cited by Ambry Genetics); PubMed 7835899 (cited by Ambry Genetics); PubMed 3078962 (cited by OMIM); PubMed 7907913 (cited by OMIM); PubMed 7915165 (cited by OMIM).